The following is an entry in ClinVar:

NM_024301.5(FKRP):c.1477G>A (p.Gly493Arg)

Gene: FKRP (fukutin related protein; plus strand). Cytogenetic location: 19q13.32.
Variant type: single nucleotide variant.
Coding change: c.1477G>A on transcript NM_024301.5 (MANE Select); coding-DNA position 1477, G replaced by A.
Protein change: p.Gly493Arg; replaces glycine 493 with arginine.
Molecular consequence: missense variant.
Genome position (GRCh38, 1-based): chr19:46,756,927, G>A. VCF-style: chr19-46756927-G-A. GRCh37 (hg19) VCF-style: chr19-47260184-G-A.
Other names: c.1477G>A, p.Gly493Arg (NM_001039885.3); short protein forms G493R.
Identifiers: ClinVar variation 1025316 (VCV001025316.10), dbSNP rs763299165, ClinGen allele CA9532329.
Genomic context (GRCh38, chr19:46,756,927, plus strand): 5'-TTCGGGCCCGGGGTCATCGAGAACCCCCAGTACCCCAACCCGGCACTGCTGAGTCTGACG[G>A]GAAGCGGCTGAAGCCCTGATAACCTCGCCTTTGTTTTTCGGGGGTCTGTCTGGATGTGGA-3'
Protein context (NP_077277.1, residues 483-495): YPNPALLSLT[Gly493Arg]SG

ClinVar aggregate classification (germline): Uncertain significance. Review status: criteria provided, single submitter (1 of 4 stars). 2 submissions from 2 submitters: Uncertain significance (1). 1 of the submissions does not count toward it. Last evaluated 2020-02-26.

Conditions:
Walker-Warburg congenital muscular dystrophy. Also called: Muscular dystrophy-dystroglycanopathy, type A; Walker-Warburg syndrome. Identifiers: Orphanet 899, MedGen C0265221, MONDO:0000171.
Autosomal recessive limb-girdle muscular dystrophy type 2I. Also called: MUSCULAR DYSTROPHY, LIMB-GIRDLE, TYPE 2I; MUSCULAR DYSTROPHY-DYSTROGLYCANOPATHY (LIMB-GIRDLE), TYPE C, 5; MUSCULAR DYSTROPHY-DYSTROGLYCANOPATHY, LIMB-GIRDLE, FRKP-RELATED. Identifiers: Orphanet 34515, MedGen C1846672, MONDO:0011787, OMIM 607155.

Allele frequency attached by ClinVar (database versions not stated): ExAC 0.00001; gnomAD exomes 0.00001.

Submissions (2):

Labcorp Genetics (formerly Invitae), Labcorp
Classification: Uncertain significance for Walker-Warburg congenital muscular dystrophy. Last evaluated: 2020-02-26. Review status: criteria provided, single submitter. Criteria: Invitae Variant Classification Sherloc (09022015). Collection method: clinical testing. Allele origin: germline.
Comment: In summary, the available evidence is currently insufficient to determine the role of this variant in disease. Therefore, it has been classified as a Variant of Uncertain Significance. Algorithms developed to predict the effect of missense changes on protein structure and function (SIFT, PolyPhen-2, Align-GVGD) all suggest that this variant is likely to be tolerated, but these predictions have not been confirmed by published functional studies and their clinical significance is uncertain. This variant has not been reported in the literature in individuals with FKRP-related conditions. This variant is present in population databases (rs763299165, ExAC 0.009%). This sequence change replaces glycine with arginine at codon 493 of the FKRP protein (p.Gly493Arg). The glycine residue is moderately conserved and there is a moderate physicochemical difference between glycine and arginine.

Natera, Inc.
Classification: Uncertain significance for Limb-girdle muscular dystrophy type 2I. Last evaluated: 2021-10-18. Review status: no assertion criteria provided. Collection method: clinical testing. Allele origin: germline. Not counted in ClinVar's aggregate classification.